The following is an entry in ClinVar:

ClinVar aggregate classification (germline): Benign/Likely benign. Review status: criteria provided, multiple submitters, no conflicts (2 of 4 stars). 3 submissions from 3 submitters: Benign (1); Likely benign (2). Last evaluated 2025-05-07.

Conditions:
Zellweger spectrum disorders (ZS). Also called: Zellweger Spectrum; Zellweger Spectrum Disorder (ZSD); Zellweger syndrome; Zellweger Spectrum Disorder. Identifiers: Orphanet 912, MedGen C0043459, MONDO:0019609.

Submissions (3):

Mayo Clinic Laboratories, Mayo Clinic
Classification: Likely benign. Last evaluated: 2025-05-07. Review status: criteria provided, single submitter. Criteria: ACMG Guidelines, 2015. Collection method: clinical testing. Allele origin: germline. Observed: 2 variant alleles.
Comment: BP4, BP7

Blueprint Genetics
Classification: Likely benign. Last evaluated: 2024-11-27. Review status: criteria provided, single submitter. Criteria: ACMG Guidelines, 2015. Collection method: clinical testing. Allele origin: germline.

Labcorp Genetics (formerly Invitae), Labcorp
Classification: Benign for Zellweger spectrum disorders. Last evaluated: 2024-03-04. Review status: criteria provided, single submitter. Criteria: Invitae Variant Classification Sherloc (09022015). Collection method: clinical testing. Allele origin: germline.

NM_000466.3(PEX1):c.2584-21_2584-20dup

Gene: PEX1 (peroxisomal biogenesis factor 1; minus strand). Cytogenetic location: 7q21.2.
Variant type: Duplication.
Coding change: c.2584-21_2584-20dup on transcript NM_000466.3 (MANE Select); 21 bases into the intron before coding-DNA position 2584 through 20 bases into the intron before coding-DNA position 2584, 2 bases duplicated (TT; older notation c.2584-21_2584-20dupTT).
Molecular consequence: intron variant.
Genome position (GRCh38, 1-based): chr7:92,499,848-92,499,849, AA duplicated on the plus strand (TT on the coding strand, the reverse complement: PEX1 is on the minus strand); duplicating any 2 consecutive bases within chr7:92,499,848-92,499,859 gives the same sequence; the c. name uses the placement nearest the transcript's 3' end. VCF-style (leftmost placement, unchanged base first): chr7-92499847-C-CAA. GRCh37 (hg19) VCF-style: chr7-92129161-C-CAA.
Other names: p.?; c.2413-21_2413-20dup (NM_001282677.2); c.1960-21_1960-20dup (NM_001282678.2); c.2584-11_2584-10dup (NM_000466.3).
Identifiers: ClinVar variation 1164265 (VCV001164265.11), dbSNP rs5885806, ClinGen allele CA4341079.